The following is an entry in ClinVar:

ClinVar aggregate classification (germline): Uncertain significance. Review status: criteria provided, single submitter (1 of 4 stars). 2 submissions from 2 submitters: Uncertain significance (1). 1 of the submissions does not count toward it. Last evaluated 2022-07-07.

Conditions:
MYO6-related disorder. Also called: MYO6-related disorders; MYO6-related condition.

Submissions (2):

Blueprint Genetics
Classification: Uncertain significance. Last evaluated: 2022-07-07. Review status: criteria provided, single submitter. Criteria: ACMG Guidelines, 2015. Collection method: clinical testing. Allele origin: germline.

PreventionGenetics, part of Exact Sciences
Classification: Uncertain significance for MYO6-related condition. Last evaluated: 2024-09-27. Review status: no assertion criteria provided. Collection method: clinical testing. Allele origin: germline. Not counted in ClinVar's aggregate classification.
Comment: The MYO6 c.2650A>G variant is predicted to result in the amino acid substitution p.Lys884Glu. To our knowledge, this variant has not been reported in the literature or in a large population database, indicating this variant is rare. At this time, the clinical significance of this variant is uncertain due to the absence of conclusive functional and genetic evidence.

NM_004999.4(MYO6):c.2650A>G (p.Lys884Glu)

Gene: MYO6 (myosin VI; plus strand). Cytogenetic location: 6q14.1.
Variant type: single nucleotide variant.
Coding change: c.2650A>G on transcript NM_004999.4 (MANE Select); coding-DNA position 2650, A replaced by G.
Protein change: p.Lys884Glu; replaces lysine 884 with glutamic acid.
Molecular consequence: missense variant. On other transcripts: non-coding transcript variant (1).
Genome position (GRCh38, 1-based): chr6:75,886,986, A>G. VCF-style: chr6-75886986-A-G. GRCh37 (hg19) VCF-style: chr6-76596703-A-G.
Other names: c.2650A>G, p.Lys884Glu (NM_001300899.2, NM_001368136.1, NM_001368137.1 and 2 more transcripts); c.2635A>G, p.Lys879Glu (NM_001368138.1); short protein forms K879E, K884E.
Identifiers: ClinVar variation 3345256 (VCV003345256.2).
Genomic context (GRCh38, chr6:75,886,986, plus strand): 5'-AAACCCGAGATGAATAAACAGATCAAGAATCTGGAAATTTCTATTGATACTTTGATGGCC[A>G]AAATTAAGGTATGTAATTTCAACCCGAATGACTTTGACTTTTTATGTAATTTAATATATT-3'
Protein context (NP_004990.3, residues 874-894): LEISIDTLMA[Lys884Glu]IKSTMMTQEQ